The following is an entry in ClinVar:

NM_005359.6(SMAD4):c.625A>G (p.Thr209Ala)

Gene: SMAD4 (SMAD family member 4; plus strand). Cytogenetic location: 18q21.2.
Variant type: single nucleotide variant.
Coding change: c.625A>G on transcript NM_005359.6 (MANE Select); coding-DNA position 625, A replaced by G.
Protein change: p.Thr209Ala; replaces threonine 209 with alanine.
Molecular consequence: missense variant.
Genome position (GRCh38, 1-based): chr18:51,054,951, A>G. VCF-style: chr18-51054951-A-G. GRCh37 (hg19) VCF-style: chr18-48581321-A-G.
Other names: short protein forms T209A.
Identifiers: ClinVar variation 460559 (VCV000460559.12), dbSNP rs1555685670, ClinGen allele CA402461205.

ClinVar aggregate classification (germline): Uncertain significance. Review status: criteria provided, multiple submitters, no conflicts (2 of 4 stars). 3 submissions from 3 submitters: Uncertain significance (3). Last evaluated 2024-07-10.

Conditions:
Juvenile polyposis syndrome (JPS). Identifiers: Orphanet 2929, MedGen C0345893, MONDO:0017380, OMIM 174900.
Hereditary cancer-predisposing syndrome. Also called: Neoplastic Syndromes, Hereditary; Hereditary Cancer Syndrome; Hereditary neoplastic syndrome; Tumor predisposition. Identifiers: Orphanet 140162, MedGen C0027672, MeSH D009386, MONDO:0015356.
Familial thoracic aortic aneurysm and aortic dissection (TAAD). Also called: Thoracic aortic aneurysms and dissections. Identifiers: Orphanet 91387, MedGen C4707243, MONDO:0019625.
Juvenile polyposis/hereditary hemorrhagic telangiectasia syndrome (JPHT). Also called: POLYPOSIS, GENERALIZED JUVENILE, WITH PULMONARY ARTERIOVENOUS MALFORMATION; TELANGIECTASIA, HEREDITARY HEMORRHAGIC, WITH JUVENILE POLYPOSIS COLI; Juvenile Polyposis Syndrome / Hereditary Hemorrhagic Telangiectasia (JPS/HHT); JP/HHT SYNDROME; JUVENILE POLYPOSIS WITH HEREDITARY HEMORRHAGIC TELANGIECTASIA. Identifiers: Orphanet 2929, MedGen C1832942, MONDO:0008278, OMIM 175050.

Allele frequency attached by ClinVar (database versions not stated): gnomAD exomes below 0.00001.
gnomAD v4.1: 1 of 1,614,202 alleles (0.000062%); highest among the groups gnomAD compares: South Asian, 0.0011%; no homozygotes.

Submissions (3):

All of Us Research Program, National Institutes of Health
Classification: Uncertain significance for Juvenile polyposis/hereditary hemorrhagic telangiectasia syndrome. Last evaluated: 2024-07-10. Review status: criteria provided, single submitter. Criteria: ACMG Guidelines, 2015. Collection method: clinical testing. Allele origin: germline. Inheritance: Autosomal dominant inheritance. Observed: 1 variant allele, 1 heterozygote.
Comment: This missense variant replaces threonine with alanine at codon 209 of the SMAD4 protein. Computational prediction suggests that this variant may not impact protein structure and function (internally defined REVEL score threshold <= 0.5, PMID: 27666373). To our knowledge, functional studies have not been reported for this variant. This variant has not been reported in individuals affected with SMAD4-related disorders in the literature. This variant has not been identified in the general population by the Genome Aggregation Database (gnomAD). The available evidence is insufficient to determine the role of this variant in disease conclusively. Therefore, this variant is classified as a Variant of Uncertain Significance.

This study involves interpretation of variants in research participants for the purpose of population health screening. Participant phenotype was not available at the time of variant classification. Additional details can be found in publication PMID: 35346344, PMCID: PMC8962531

Labcorp Genetics (formerly Invitae), Labcorp
Classification: Uncertain significance for Juvenile polyposis syndrome. Last evaluated: 2024-04-05. Review status: criteria provided, single submitter. Criteria: Invitae Variant Classification Sherloc (09022015). Collection method: clinical testing. Allele origin: germline.
Comment: This sequence change replaces threonine, which is neutral and polar, with alanine, which is neutral and non-polar, at codon 209 of the SMAD4 protein (p.Thr209Ala). This variant is not present in population databases (gnomAD no frequency). This variant has not been reported in the literature in individuals affected with SMAD4-related conditions. ClinVar contains an entry for this variant (Variation ID: 460559). Algorithms developed to predict the effect of missense changes on protein structure and function output the following: SIFT: "Not Available"; PolyPhen-2: "Benign"; Align-GVGD: "Not Available". The alanine amino acid residue is found in multiple mammalian species, which suggests that this missense change does not adversely affect protein function. In summary, the available evidence is currently insufficient to determine the role of this variant in disease. Therefore, it has been classified as a Variant of Uncertain Significance.

Ambry Genetics
Classification: Uncertain significance for Hereditary cancer-predisposing syndrome; Familial thoracic aortic aneurysm and aortic dissection. Last evaluated: 2023-04-08. Review status: criteria provided, single submitter. Criteria: Ambry Variant Classification Scheme 2023. Collection method: clinical testing. Allele origin: germline.
Comment: The p.T209A variant (also known as c.625A>G), located in coding exon 4 of the SMAD4 gene, results from an A to G substitution at nucleotide position 625. The threonine at codon 209 is replaced by alanine, an amino acid with similar properties. This amino acid position is conserved. In addition, this alteration is predicted to be tolerated by in silico analysis. Since supporting evidence is limited at this time, the clinical significance of this alteration remains unclear.